The following is an entry in ClinVar:

ClinVar aggregate classification (germline): Uncertain significance (1 of 4 stars; one submission).

Allele frequency attached by ClinVar (database versions not stated): TOPMed below 0.00001; gnomAD exomes 0.00001.

Submission:

Labcorp Genetics (formerly Invitae), Labcorp
Classification: Uncertain significance. Last evaluated: 2023-04-07. Review status: criteria provided, single submitter. Criteria: Invitae Variant Classification Sherloc (09022015). Collection method: clinical testing. Allele origin: germline.
Comment: This sequence change replaces alanine, which is neutral and non-polar, with threonine, which is neutral and polar, at codon 303 of the NFE2L2 protein (p.Ala303Thr). This variant is not present in population databases (gnomAD no frequency). This variant has not been reported in the literature in individuals affected with NFE2L2-related conditions. ClinVar contains an entry for this variant (Variation ID: 2195089). Advanced modeling of protein sequence and biophysical properties (such as structural, functional, and spatial information, amino acid conservation, physicochemical variation, residue mobility, and thermodynamic stability) performed at Invitae indicates that this missense variant is not expected to disrupt NFE2L2 protein function. In summary, the available evidence is currently insufficient to determine the role of this variant in disease. Therefore, it has been classified as a Variant of Uncertain Significance.

NM_006164.5(NFE2L2):c.907G>A (p.Ala303Thr)

Gene: NFE2L2 (NFE2 like bZIP transcription factor 2; minus strand). Cytogenetic location: 2q31.2.
Variant type: single nucleotide variant.
Coding change: c.907G>A on transcript NM_006164.5 (MANE Select); coding-DNA position 907, G replaced by A.
Protein change: p.Ala303Thr; replaces alanine 303 with threonine.
Molecular consequence: missense variant.
Genome position (GRCh38, 1-based): chr2:177,231,696, C>T on the plus strand (G>A on the coding strand, the complement: NFE2L2 is on the minus strand). VCF-style: chr2-177231696-C-T. GRCh37 (hg19) VCF-style: chr2-178096424-C-T.
Other names: c.859G>A, p.Ala287Thr (NM_001145412.3, NM_001313900.1, NM_001313901.1); c.838G>A, p.Ala280Thr (NM_001145413.3); c.817G>A, p.Ala273Thr (NM_001313902.2); c.688G>A, p.Ala230Thr (NM_001313903.2); c.607G>A, p.Ala203Thr (NM_001313904.1); short protein forms A273T, A303T, A203T, A230T, A280T, A287T.
Identifiers: ClinVar variation 2195089 (VCV002195089.4), dbSNP rs1689557222, ClinGen allele CA349373192.
Genomic context (GRCh38, chr2:177,231,696, plus strand): 5'-ATAGATCAGAAACATCAATGGGCCCATTTAGAAGTTCAGAGAGTGAATGGCTTAAAGTAG[C>T]AGGTGAGGGCATGCTGTTGCTGATACTGGGCTCAGCTATGAAAGCAGAATAAAATTCATC-3'
Protein context (NP_006155.2, residues 293-313): PSISNSMPSP[Ala303Thr]TLSHSLSELL